The following is an entry in ClinVar:

ClinVar aggregate classification (germline): Benign (1 of 4 stars; one submission).

gnomAD v4.1: 26,434 of 1,607,094 alleles (1.6%); highest among the groups gnomAD compares: Non-Finnish European, 1.9%; 289 homozygotes.

Submission:

Mayo Clinic Laboratories, Mayo Clinic
Classification: Benign. Last evaluated: 2023-06-26. Review status: criteria provided, single submitter. Criteria: ACMG Guidelines, 2015. Collection method: clinical testing. Allele origin: germline. Observed: 10 variant alleles.
Comment: BA1, BP4, BP7

NM_001163809.2(WDR81):c.3186G>C (p.Leu1062=)

Gene: WDR81 (WD repeat domain 81; plus strand). Cytogenetic location: 17p13.3.
Variant type: single nucleotide variant.
Coding change: c.3186G>C on transcript NM_001163809.2 (MANE Select); coding-DNA position 3186, G replaced by C.
Protein change: p.Leu1062=; no amino-acid change (leucine 1062 retained).
Molecular consequence: synonymous variant. On other transcripts: intron variant (2).
Genome position (GRCh38, 1-based): chr17:1,728,145, G>C. VCF-style: chr17-1728145-G-C. GRCh37 (hg19) VCF-style: chr17-1631439-G-C.
Other names: p.Leu1062=; c.33G>C, p.Leu11= (NM_152348.4); c.59-2235G>C (NM_001163673.2); c.-14-2235G>C (NM_001163811.2).
Identifiers: ClinVar variation 4684173 (VCV004684173.1).